The following is an entry in ClinVar:

ClinVar aggregate classification (germline): Benign/Likely benign. Review status: criteria provided, multiple submitters, no conflicts (2 of 4 stars). 3 submissions from 3 submitters: Benign (2); Likely benign (1). Last evaluated 2026-01-28.

Conditions:
Peroxisome biogenesis disorder, complementation group K (CGK). Identifiers: MedGen C1866257, MONDO:0800365.
Peroxisome biogenesis disorder 13A (Zellweger). Also called: Peroxisome biogenesis disorder 13A. Identifiers: Orphanet 912, MedGen C3554004, MONDO:0013952, OMIM 614887.

Allele frequency attached by ClinVar (database versions not stated): ESP Exome Variant Server 0.00008; gnomAD 0.00105 and 0.00146; gnomAD exomes 0.00118 and 0.00244; TOPMed 0.00161; ExAC 0.00233; 1000 Genomes Project 30x 0.00547; 1000 Genomes Project 0.00639.
gnomAD v4.1: 1,980 of 1,614,094 alleles (0.12%); highest among the groups gnomAD compares: East Asian, 3.7%; 28 homozygotes.

Submissions (3):

Labcorp Genetics (formerly Invitae), Labcorp
Classification: Benign for Peroxisome biogenesis disorder, complementation group K. Last evaluated: 2026-01-28. Review status: criteria provided, single submitter. Criteria: Invitae Variant Classification Sherloc (09022015). Collection method: clinical testing. Allele origin: germline.

Fulgent Genetics
Classification: Likely benign for Peroxisome biogenesis disorder 13A (Zellweger). Last evaluated: 2021-09-02. Review status: criteria provided, single submitter. Criteria: ACMG Guidelines, 2015. Collection method: clinical testing. Allele origin: unknown.

Illumina Laboratory Services, Illumina
Classification: Benign for Peroxisome biogenesis disorder 13A (Zellweger). Last evaluated: 2018-01-12. Review status: criteria provided, single submitter. Criteria: ICSL Variant Classification Criteria 13 December 2019. Collection method: clinical testing. Allele origin: germline.
Comment: This variant was observed in the ICSL laboratory as part of a predisposition screen in an ostensibly healthy population. It had not been previously curated by ICSL or reported in the Human Gene Mutation Database (HGMD: prior to June 1st, 2018), and was therefore a candidate for classification through an automated scoring system. Utilizing variant allele frequency, disease prevalence and penetrance estimates, and inheritance mode, an automated score was calculated to assess if this variant is too frequent to cause the disease. Based on the score and internal cut-off values, a variant classified as benign is not then subjected to further curation. The score for this variant resulted in a classification of benign for this disease.

NM_004565.3(PEX14):c.208T>G (p.Ser70Ala)

Gene: PEX14 (peroxisomal biogenesis factor 14; plus strand). Cytogenetic location: 1p36.22.
Variant type: single nucleotide variant.
Coding change: c.208T>G on transcript NM_004565.3 (MANE Select); coding-DNA position 208, T replaced by G.
Protein change: p.Ser70Ala; replaces serine 70 with alanine.
Molecular consequence: missense variant.
Genome position (GRCh38, 1-based): chr1:10,599,276, T>G. VCF-style: chr1-10599276-T-G. GRCh37 (hg19) VCF-style: chr1-10659333-T-G.
Other names: short protein forms S70A.
Identifiers: ClinVar variation 291672 (VCV000291672.16), dbSNP rs77261230, ClinGen allele CA583753.